The following is an entry in ClinVar:

ClinVar aggregate classification (germline): Uncertain significance (1 of 4 stars; one submission).

Allele frequency attached by ClinVar (database versions not stated): ExAC 0.00003.

Submission:

Labcorp Genetics (formerly Invitae), Labcorp
Classification: Uncertain significance. Last evaluated: 2023-07-21. Review status: criteria provided, single submitter. Criteria: Invitae Variant Classification Sherloc (09022015). Collection method: clinical testing. Allele origin: germline.
Comment: This sequence change replaces tyrosine, which is neutral and polar, with phenylalanine, which is neutral and non-polar, at codon 189 of the PKDCC protein (p.Tyr189Phe). The frequency data for this variant in the population databases is considered unreliable, as metrics indicate poor data quality at this position in the gnomAD database. This variant has not been reported in the literature in individuals affected with PKDCC-related conditions. ClinVar contains an entry for this variant (Variation ID: 1386239). An algorithm developed to predict the effect of missense changes on protein structure and function (PolyPhen-2) suggests that this variant is likely to be tolerated. In summary, the available evidence is currently insufficient to determine the role of this variant in disease. Therefore, it has been classified as a Variant of Uncertain Significance.

NM_138370.3(PKDCC):c.566A>T (p.Tyr189Phe)

Genes: PKDCC (protein kinase domain containing, cytoplasmic; plus strand), LOC129933566 (ATAC-STARR-seq lymphoblastoid active region 15635; plus strand). Cytogenetic location: 2p21.
Variant type: single nucleotide variant.
Coding change: c.566A>T on transcript NM_138370.3 (MANE Select); coding-DNA position 566, A replaced by T.
Protein change: p.Tyr189Phe; replaces tyrosine 189 with phenylalanine.
Molecular consequence: missense variant.
Genome position (GRCh38, 1-based): chr2:42,048,765, A>T. VCF-style: chr2-42048765-A-T. GRCh37 (hg19) VCF-style: chr2-42275905-A-T.
Other names: short protein forms Y189F.
Identifiers: ClinVar variation 1386239 (VCV001386239.6), dbSNP rs763152634, ClinGen allele CA1627923.
Genomic context (GRCh38, chr2:42,048,765, plus strand): 5'-ACTTTAGCGGCCACGATCTGGGCAGCTGCGTGCGCGAGTTCGGGGTACGGAGGGGCTGCT[A>T]TCGGCTGGCGGCCCACAAGCTGCTTAAGGAGATGGTGCTGCTGGAGCGGCTGCGGCACCC-3'
Protein context (NP_612379.2, residues 179-199): VREFGVRRGC[Tyr189Phe]RLAAHKLLKE